The following is an entry in ClinVar:

NM_020207.7(ERCC6L2):c.3046T>C (p.Ser1016Pro)

Gene: ERCC6L2 (ERCC excision repair 6 like 2; plus strand). Cytogenetic location: 9q22.32.
Variant type: single nucleotide variant.
Coding change: c.3046T>C on transcript NM_020207.7 (MANE Select); coding-DNA position 3046, T replaced by C.
Protein change: p.Ser1016Pro; replaces serine 1016 with proline.
Molecular consequence: missense variant. On other transcripts: non-coding transcript variant (1).
Genome position (GRCh38, 1-based): chr9:95,972,797, T>C. VCF-style: chr9-95972797-T-C. GRCh37 (hg19) VCF-style: chr9-98735079-T-C.
Other names: c.3046T>C, p.Ser1016Pro (NM_001375291.1, NM_001375292.1, NM_001375293.1 and 1 more transcripts); short protein forms S1016P.
Identifiers: ClinVar variation 3620698 (VCV003620698.2).
Genomic context (GRCh38, chr9:95,972,797, plus strand): 5'-AAGAGAGCTAGTTCATTGAGGTTTAAGAGAATAAAAGAAACCAAAAAAGAACTTCACAAT[T>C]CTCCCAAAACAATGAACAAAACAAACCAAGTGTATGCAGCAAATGAGGATCATAACTCTC-3'
Protein context (NP_064592.3, residues 1006-1026): IKETKKELHN[Ser1016Pro]PKTMNKTNQV

ClinVar aggregate classification (germline): Uncertain significance (1 of 4 stars; one submission).

Submission:

Labcorp Genetics (formerly Invitae), Labcorp
Classification: Uncertain significance. Last evaluated: 2024-07-30. Review status: criteria provided, single submitter. Criteria: Invitae Variant Classification Sherloc (09022015). Collection method: clinical testing. Allele origin: germline.
Comment: This sequence change replaces serine, which is neutral and polar, with proline, which is neutral and non-polar, at codon 1027 of the ERCC6L2 protein (p.Ser1027Pro). This variant is not present in population databases (gnomAD no frequency). This variant has not been reported in the literature in individuals affected with ERCC6L2-related conditions. Experimental studies and prediction algorithms are not available or were not evaluated, and the functional significance of this variant is currently unknown. In summary, the available evidence is currently insufficient to determine the role of this variant in disease. Therefore, it has been classified as a Variant of Uncertain Significance.